The following is an entry in ClinVar:

NM_001267550.2(TTN):c.84059del (p.Leu28020fs)

Genes: TTN (titin; minus strand), TTN-AS1 (TTN antisense RNA 1; plus strand). Cytogenetic location: 2q31.2.
Variant type: Deletion.
Coding change: c.84059del on transcript NM_001267550.2 (MANE Select); coding-DNA position 84059, one base deleted (T; older notation c.84059delT).
Protein change: p.Leu28020fs; shifts the reading frame from leucine 28020.
Molecular consequence: frameshift variant.
Genome position (GRCh38, 1-based): chr2:178,562,073, A deleted on the plus strand (T on the coding strand, the reverse complement: TTN is on the minus strand). VCF-style (leftmost placement, unchanged base first): chr2-178562072-TA-T. GRCh37 (hg19) VCF-style: chr2-179426799-TA-T.
Other names: L26379H fsX25; c.79136del, p.Leu26379fs (NM_001256850.1); c.56864del, p.Leu18955fs (NM_003319.4); c.76355del, p.Leu25452fs (NM_133378.4); c.57239del, p.Leu19080fs (NM_133432.3); c.57440del, p.Leu19147fs (NM_133437.4); c.79136delT (NM_001256850.1); short protein forms L25452fs, L28020fs, L26379fs, L19080fs, L18955fs, L19147fs.
Identifiers: ClinVar variation 202480 (VCV000202480.2), dbSNP rs794729352, ClinGen allele CA309443.
Genomic context (GRCh38, chr2:178,562,072, plus strand): 5'-ACTGTTTGAAACACATAATTCATAAGTTCCAACATCTTCCTTTGAAGCTTCCTTAATAGA[TA>T]GTGATGTTACAGTCTTTGAAGAAGAAACATTGACTCTAGTTGTCTCTTTAAGAGTCTGAC-3'

ClinVar aggregate classification (germline): Likely pathogenic (1 of 4 stars; one submission).

Submission:

GeneDx
Classification: Likely pathogenic. Last evaluated: 2012-11-15. Review status: criteria provided, single submitter. Criteria: GeneDx Variant Classification (06012015). Collection method: clinical testing. Allele origin: germline. Affected: yes.
Comment: c.79136delT: p.Leu26379HisfsX25 (L26379HfsX25) in exon 276 of the TTN gene (NM_001256850.1). The normal sequence with the base that is deleted in braces is: TCAC{T}ATCT. The c.79136delT variant in the TTN gene has not been reported previously as pathogenic or as a benign polymorphism to our knowledge. c.79136delT causes a shift in reading frame starting at codon Leucine 26379, changing it to a Histidine, and creating a premature stop codon at position 25 of the new reading frame, denoted p.Leu26379HisfsX25. This variant is expected to result in either an abnormal, truncated protein product or possible loss of protein from this allele through nonsense-mediated mRNA decay. c.79136delT is located in the A-band region of titin, where the majority of truncating mutations associated with DCM have been reported (Herman D et al., 2012). In summary, while the c.79136delT variant in the TTN gene is likely a pathogenic variant, the possibility it is a rare benign variant cannot be excluded.